The following is an entry in ClinVar:

ClinVar aggregate classification (germline): Uncertain significance. Review status: criteria provided, multiple submitters, no conflicts (2 of 4 stars). 2 submissions from 2 submitters: Uncertain significance (2). Last evaluated 2025-07-30.

Conditions:
Hereditary cancer-predisposing syndrome. Also called: Hereditary neoplastic syndrome; Hereditary Cancer Syndrome; Neoplastic Syndromes, Hereditary; Tumor predisposition. Identifiers: Orphanet 140162, MedGen C0027672, MeSH D009386, MONDO:0015356.

Submissions (2):

Quest Diagnostics Nichols Institute San Juan Capistrano
Classification: Uncertain significance. Last evaluated: 2025-07-30. Review status: criteria provided, single submitter. Criteria: Quest Diagnostics criteria. Collection method: clinical testing. Allele origin: unknown.

Ambry Genetics
Classification: Uncertain significance for Hereditary cancer-predisposing syndrome. Last evaluated: 2023-05-18. Review status: criteria provided, single submitter. Criteria: Ambry Variant Classification Scheme 2023. Collection method: clinical testing. Allele origin: germline.
Comment: The p.I366M variant (also known as c.1098T>G), located in coding exon 8 of the ATM gene, results from a T to G substitution at nucleotide position 1098. The isoleucine at codon 366 is replaced by methionine, an amino acid with highly similar properties. This amino acid position is conserved. In addition, this alteration is predicted to be tolerated by in silico analysis. Since supporting evidence is limited at this time, the clinical significance of this alteration remains unclear.

NM_000051.4(ATM):c.1098T>G (p.Ile366Met)

Gene: ATM (ATM serine/threonine kinase; plus strand). Cytogenetic location: 11q22.3.
Variant type: single nucleotide variant.
Coding change: c.1098T>G on transcript NM_000051.4 (MANE Select); coding-DNA position 1098, T replaced by G.
Protein change: p.Ile366Met; replaces isoleucine 366 with methionine.
Molecular consequence: missense variant.
Genome position (GRCh38, 1-based): chr11:108,248,965, T>G. VCF-style: chr11-108248965-T-G. GRCh37 (hg19) VCF-style: chr11-108119692-T-G.
Other names: c.1098T>G, p.Ile366Met (NM_001351834.2); short protein forms I366M.
Identifiers: ClinVar variation 2568223 (VCV002568223.3), dbSNP rs2497208158, ClinGen allele CA382532380.